The following is an entry in ClinVar:

NM_002890.3(RASA1):c.1453+6T>C

Genes: CCNH (cyclin H; minus strand), RASA1 (RAS p21 protein activator 1; plus strand). Cytogenetic location: 5q14.3.
Variant type: single nucleotide variant.
Coding change: c.1453+6T>C on transcript NM_002890.3 (MANE Select); 6 bases into the intron after coding-DNA position 1453, T replaced by C.
Molecular consequence: intron variant.
Genome position (GRCh38, 1-based): chr5:87,362,677, T>C. VCF-style: chr5-87362677-T-C. GRCh37 (hg19) VCF-style: chr5-86658494-T-C.
Other names: c.922+6T>C (NM_022650.3); c.933+32367A>G (NM_001364075.2).
Identifiers: ClinVar variation 1464715 (VCV001464715.6), dbSNP rs1352575365, ClinGen allele CA560881760.

ClinVar aggregate classification (germline): Uncertain significance (1 of 4 stars; one submission).

Conditions:
Capillary malformation-arteriovenous malformation syndrome. Also called: Capillary malformation-arteriovenous malformation. Identifiers: Orphanet 137667, MedGen C1842180, MONDO:0012016.

Allele frequency attached by ClinVar (database versions not stated): gnomAD exomes 0.00001.
gnomAD v4.1: 3 of 1,603,970 alleles (0.00019%); highest among the groups gnomAD compares: Non-Finnish European, 0.00017%; no homozygotes.

Submission:

Labcorp Genetics (formerly Invitae), Labcorp
Classification: Uncertain significance for Capillary malformation-arteriovenous malformation syndrome. Last evaluated: 2021-05-12. Review status: criteria provided, single submitter. Criteria: Invitae Variant Classification Sherloc (09022015). Collection method: clinical testing. Allele origin: germline.
Comment: In summary, the available evidence is currently insufficient to determine the role of this variant in disease. Therefore, it has been classified as a Variant of Uncertain Significance. Nucleotide substitutions within the consensus splice site are a relatively common cause of aberrant splicing (PMID: 17576681, 9536098). Algorithms developed to predict the effect of sequence changes on RNA splicing suggest that this variant is not likely to affect RNA splicing, but this prediction has not been confirmed by published transcriptional studies. This variant has not been reported in the literature in individuals with RASA1-related conditions. This variant is not present in population databases (ExAC no frequency). This sequence change falls in intron 10 of the RASA1 gene. It does not directly change the encoded amino acid sequence of the RASA1 protein. It affects a nucleotide within the consensus splice site of the intron.

Literature cited by the submitters: PubMed 17576681; PubMed 9536098.